The following is an entry in ClinVar:

NM_001134407.3(GRIN2A):c.*7089T>C

Gene: GRIN2A (glutamate ionotropic receptor NMDA type subunit 2A; minus strand). Cytogenetic location: 16p13.2.
Variant type: single nucleotide variant.
Coding change: c.*7089T>C on transcript NM_001134407.3 (MANE Select); 7089 bases downstream of the stop codon, T replaced by C.
Molecular consequence: 3 prime UTR variant.
Genome position (GRCh38, 1-based): chr16:9,756,060, A>G on the plus strand (T>C on the coding strand, the complement: GRIN2A is on the minus strand). VCF-style: chr16-9756060-A-G. GRCh37 (hg19) VCF-style: chr16-9849917-A-G.
Other names: c.*7089T>C (NM_000833.5); c.*7295T>C (NM_001134408.2).
Identifiers: ClinVar variation 885916 (VCV000885916.4), dbSNP rs148328605, ClinGen allele CA277528765.

ClinVar aggregate classification (germline): Benign (1 of 4 stars; one submission).

Conditions:
Landau-Kleffner syndrome (FESD). Also called: APHASIA, ACQUIRED, WITH EPILEPSY; EPILEPSY, FOCAL, WITH SPEECH DISORDER AND WITH OR WITHOUT MENTAL RETARDATION. Identifiers: Orphanet 1945, Orphanet 725, Orphanet 98818, MedGen C0282512, MONDO:0009509, OMIM 245570.

Allele frequency attached by ClinVar (database versions not stated): gnomAD 0.00021 and 0.00015; 1000 Genomes Project 30x 0.00078; gnomAD exomes 0.00173; TOPMed 0.00017; 1000 Genomes Project 0.00080.
gnomAD v4.1: 147 of 224,076 alleles (0.066%); highest among the groups gnomAD compares: East Asian, 0.92%; no homozygotes.

Submission:

Illumina Laboratory Services, Illumina
Classification: Benign for Landau-Kleffner syndrome. Last evaluated: 2018-01-13. Review status: criteria provided, single submitter. Criteria: ICSL Variant Classification Criteria 13 December 2019. Collection method: clinical testing. Allele origin: germline.
Comment: This variant was observed in the ICSL laboratory as part of a predisposition screen in an ostensibly healthy population. It had not been previously curated by ICSL or reported in the Human Gene Mutation Database (HGMD: prior to June 1st, 2018), and was therefore a candidate for classification through an automated scoring system. Utilizing variant allele frequency, disease prevalence and penetrance estimates, and inheritance mode, an automated score was calculated to assess if this variant is too frequent to cause the disease. Based on the score and internal cut-off values, a variant classified as benign is not then subjected to further curation. The score for this variant resulted in a classification of benign for this disease.